The following is an entry in ClinVar:

NM_001308093.3(GATA4):c.75_89del (p.Phe26_Ala30del)

Gene: GATA4 (GATA binding protein 4). Cytogenetic location: 8p23.1.
Variant type: Deletion.
Coding change: c.75_89del on transcript NM_001308093.3 (MANE Select); coding-DNA positions 75 to 89, 15 bases deleted.
Protein change: p.Phe26_Ala30del.
Molecular consequence: intron variant (on NM_001308094.2).
Genome position: GRCh38 VCF-style: chr8-11708380-CCGGCGCCTTCATGCA-C. GRCh37 (hg19) VCF-style: chr8-11565889-CCGGCGCCTTCATGCA-C.
Other names: c.75_89del, p.Phe26_Ala30del (NM_002052.5); c.-6+7609_-6+7623del (NM_001308094.2); c.-3+373_-3+387del (NM_001374274.1); c.-3+4083_-3+4097del (NM_001374273.1).
Identifiers: ClinVar variation 4799023 (VCV004799023.1).

ClinVar aggregate classification (germline): Uncertain significance (1 of 4 stars; one submission).

Conditions:
Atrioventricular septal defect 4 (AVSD4). Identifiers: MedGen C3280781, MONDO:0013747, OMIM 614430.

Submission:

Labcorp Genetics (formerly Invitae), Labcorp
Classification: Uncertain significance for Atrioventricular septal defect 4. Last evaluated: 2025-09-15. Review status: criteria provided, single submitter. Criteria: Invitae Variant Classification Sherloc (09022015). Collection method: clinical testing. Allele origin: germline.
Comment: This variant, c.75_89del, results in the deletion of 5 amino acid(s) of the GATA4 protein (p.Phe26_Ala30del), but otherwise preserves the integrity of the reading frame. This variant is not present in population databases (gnomAD no frequency). This variant has not been reported in the literature in individuals affected with GATA4-related conditions. Experimental studies and prediction algorithms are not available or were not evaluated, and the functional significance of this variant is currently unknown. In summary, the available evidence is currently insufficient to determine the role of this variant in disease. Therefore, it has been classified as a Variant of Uncertain Significance.